The following is an entry in ClinVar:

ClinVar aggregate classification (germline): Conflicting classifications of pathogenicity. Review status: criteria provided, conflicting classifications (1 of 4 stars). 8 submissions from 8 submitters: Uncertain significance (5); Likely benign (3). Last evaluated 2026-01-01.

Conditions:
Familial thoracic aortic aneurysm and aortic dissection (TAAD). Also called: Thoracic aortic aneurysms and dissections. Identifiers: Orphanet 91387, MedGen C4707243, MONDO:0019625.

Allele frequency attached by ClinVar (database versions not stated): ExAC 0.00001; gnomAD 0.00002; TOPMed 0.00003.

Submissions (8):

CeGaT Center for Human Genetics Tuebingen
Classification: Likely benign. Last evaluated: 2026-01-01. Review status: criteria provided, single submitter. Criteria: CeGaT Center For Human Genetics Tuebingen Variant Classification Criteria Version 2. Collection method: clinical testing. Allele origin: germline. Affected: yes. Observed: 2 variant alleles.
Comment: TGFBR1: BP4

Labcorp Genetics (formerly Invitae), Labcorp
Classification: Likely benign for Familial thoracic aortic aneurysm and aortic dissection. Last evaluated: 2025-11-03. Review status: criteria provided, single submitter. Criteria: Invitae Variant Classification Sherloc (09022015). Collection method: clinical testing. Allele origin: germline.

Ambry Genetics
Classification: Uncertain significance for Familial thoracic aortic aneurysm and aortic dissection. Last evaluated: 2025-06-30. Review status: criteria provided, single submitter. Criteria: Ambry Variant Classification Scheme 2023. Collection method: clinical testing. Allele origin: germline.
Comment: The p.R168H variant (also known as c.503G>A), located in coding exon 3 of the TGFBR1 gene, results from a G to A substitution at nucleotide position 503. The arginine at codon 168 is replaced by histidine, an amino acid with highly similar properties. This amino acid position is conserved. In addition, this alteration is predicted to be tolerated by in silico analysis. Since supporting evidence is limited at this time, the clinical significance of this alteration remains unclear.

Color Diagnostics, LLC DBA Color Health
Classification: Uncertain significance for Familial thoracic aortic aneurysm and aortic dissection. Last evaluated: 2023-11-29. Review status: criteria provided, single submitter. Criteria: ACMG Guidelines, 2015. Collection method: clinical testing. Allele origin: germline.
Comment: This missense variant replaces arginine with histidine at codon 168 of the TGFBR1 protein. Computational prediction suggests that this variant may not impact protein structure and function (internally defined REVEL score threshold <= 0.5, PMID: 27666373). To our knowledge, functional studies have not been reported for this variant. This variant has not been reported in individuals affected with TGFBR1-related disorders in the literature. This variant has been identified in 4/282390 chromosomes in the general population by the Genome Aggregation Database (gnomAD). The available evidence is insufficient to determine the role of this variant in disease conclusively. Therefore, this variant is classified as a Variant of Uncertain Significance.

GeneDx
Classification: Uncertain significance. Last evaluated: 2023-03-14. Review status: criteria provided, single submitter. Criteria: GeneDx Variant Classification Process June 2021. Collection method: clinical testing. Allele origin: germline. Affected: yes.
Comment: Has not been previously published as pathogenic or benign to our knowledge; Not observed at significant frequency in large population cohorts (gnomAD); In silico analysis supports that this missense variant does not alter protein structure/function

Blueprint Genetics
Classification: Likely benign. Last evaluated: 2022-06-14. Review status: criteria provided, single submitter. Criteria: ACMG Guidelines, 2015. Collection method: clinical testing. Allele origin: germline.

Women's Health and Genetics/Laboratory Corporation of America, LabCorp
Classification: Uncertain significance. Last evaluated: 2018-04-30. Review status: criteria provided, single submitter. Criteria: LabCorp Variant Classification Summary - May 2015. Collection method: clinical testing. Allele origin: germline.
Comment: Variant summary: TGFBR1 c.503G>A (p.Arg168His) results in a non-conservative amino acid change in the encoded protein sequence. Three of five in-silico tools predict a benign effect of the variant on protein function. The variant allele was found at a frequency of 8.2e-06 in 121350 control chromosomes. The available data on variant occurrences in the general population are insufficient to allow any conclusion about variant significance. To our knowledge, no occurrence of c.503G>A in individuals affected with Aortopathy and no experimental evidence demonstrating its impact on protein function have been reported. No clinical diagnostic laboratories have submitted clinical-significance assessments for this variant to ClinVar after 2014. Based on the evidence outlined above, the variant was classified as uncertain significance.

Breakthrough Genomics
Classification: Uncertain significance. Review status: criteria provided, single submitter. Criteria: ACMG Guidelines, 2015. Collection method: not provided. Allele origin: germline. Inheritance: Autosomal recessive inheritance. Affected: yes.

NM_004612.4(TGFBR1):c.503G>A (p.Arg168His)

Gene: TGFBR1 (transforming growth factor beta receptor 1; plus strand). Cytogenetic location: 9q22.33.
Variant type: single nucleotide variant.
Coding change: c.503G>A on transcript NM_004612.4 (MANE Select); coding-DNA position 503, G replaced by A.
Protein change: p.Arg168His; replaces arginine 168 with histidine.
Molecular consequence: missense variant. On other transcripts: intron variant (1).
Genome position (GRCh38, 1-based): chr9:99,132,668, G>A. VCF-style: chr9-99132668-G-A. GRCh37 (hg19) VCF-style: chr9-101894950-G-A.
Other names: c.515G>A, p.Arg172His (NM_001306210.2); c.343+3568G>A (NM_001130916.3); short protein forms R168H, R172H.
Identifiers: ClinVar variation 633011 (VCV000633011.38), dbSNP rs777965779, ClinGen allele CA042184.
Genomic context (GRCh38, chr9:99,132,668, plus strand): 5'-GCCACAACCGCACTGTCATTCACCATCGAGTGCCAAATGAAGAGGACCCTTCATTAGATC[G>A]CCCTTTTATTTCAGAGGGTACTACGTTGAAAGACTTAATTTATGATATGACAACGTCAGG-3'
Protein context (NP_004603.1, residues 158-178): VPNEEDPSLD[Arg168His]PFISEGTTLK